The following is an entry in ClinVar:

NM_001244926.2(PRPF4):c.1268C>G (p.Thr423Ser)

Gene: PRPF4 (pre-mRNA splicing tri-snRNP complex factor PRPF4; plus strand). Cytogenetic location: 9q32.
Variant type: single nucleotide variant.
Coding change: c.1268C>G on transcript NM_001244926.2 (MANE Select); coding-DNA position 1268, C replaced by G.
Protein change: p.Thr423Ser; replaces threonine 423 with serine.
Molecular consequence: missense variant. On other transcripts: non-coding transcript variant (2).
Genome position (GRCh38, 1-based): chr9:113,290,912, C>G. VCF-style: chr9-113290912-C-G. GRCh37 (hg19) VCF-style: chr9-116053192-C-G.
Other names: c.542C>G, p.Thr181Ser (NM_001322266.2, NM_001322267.2); c.1271C>G, p.Thr424Ser (NM_004697.5); short protein forms T181S, T424S, T423S.
Identifiers: ClinVar variation 1515416 (VCV001515416.9), dbSNP rs1832590569, ClinGen allele CA374555632.
Genomic context (GRCh38, chr9:113,290,912, plus strand): 5'-CAGTAAGTACTCTATTTCTAACTTCAATACTGCATCCAATCCACAGCTATCACATTGCAA[C>G]CGGCAGTGGTGACAACACCTGCAAAGTGTGGGACCTCCGACAGCGGCGTTGCGTCTACAC-3'
Protein context (NP_001231855.1, residues 413-433): NFSPNGYHIA[Thr423Ser]GSGDNTCKVW

ClinVar aggregate classification (germline): Uncertain significance. Review status: criteria provided, multiple submitters, no conflicts (2 of 4 stars). 2 submissions from 2 submitters: Uncertain significance (2). Last evaluated 2021-03-18.

Allele frequency attached by ClinVar (database versions not stated): TOPMed below 0.00001.

Submissions (2):

Blueprint Genetics
Classification: Uncertain significance. Last evaluated: 2021-03-18. Review status: criteria provided, single submitter. Criteria: ACMG Guidelines, 2015. Collection method: clinical testing. Allele origin: germline.

Labcorp Genetics (formerly Invitae), Labcorp
Classification: Uncertain significance. Last evaluated: 2020-11-18. Review status: criteria provided, single submitter. Criteria: Invitae Variant Classification Sherloc (09022015). Collection method: clinical testing. Allele origin: germline.
Comment: This sequence change replaces threonine with serine at codon 424 of the PRPF4 protein (p.Thr424Ser). The threonine residue is highly conserved and there is a small physicochemical difference between threonine and serine. This variant is not present in population databases (ExAC no frequency). This variant has not been reported in the literature in individuals with PRPF4-related conditions. Algorithms developed to predict the effect of missense changes on protein structure and function are either unavailable or do not agree on the potential impact of this missense change (SIFT: "Tolerated"; PolyPhen-2: "Possibly Damaging"; Align-GVGD: "Class C0"). In summary, the available evidence is currently insufficient to determine the role of this variant in disease. Therefore, it has been classified as a Variant of Uncertain Significance.